The following is an entry in ClinVar:

NM_006258.4(PRKG1):c.712C>A (p.Gln238Lys)

Gene: PRKG1 (protein kinase cGMP-dependent 1; plus strand). Cytogenetic location: 10q21.1.
Variant type: single nucleotide variant.
Coding change: c.712C>A on transcript NM_006258.4 (MANE Select); coding-DNA position 712, C replaced by A.
Protein change: p.Gln238Lys; replaces glutamine 238 with lysine.
Molecular consequence: missense variant.
Genome position (GRCh38, 1-based): chr10:51,907,520, C>A. VCF-style: chr10-51907520-C-A. GRCh37 (hg19) VCF-style: chr10-53667280-C-A.
Other names: c.667C>A, p.Gln223Lys (NM_001098512.3); c.712C>A, p.Gln238Lys (NM_001374782.1); short protein forms Q223K, Q238K.
Identifiers: ClinVar variation 863034 (VCV000863034.9), dbSNP rs987666890, ClinGen allele CA376533522.
Genomic context (GRCh38, chr10:51,907,520, plus strand): 5'-GTAAGTTGTGGTTCATGTGTTCAGCACTATTCTGTTTTGTTTTTCAGCGTTCCAACATTC[C>A]AGAGCCTTCCTGAAGAGATCCTCAGCAAGCTTGCTGATGTCCTTGAAGAGGTAATTGTTT-3'
Protein context (NP_006249.1, residues 228-248): MEFLKSVPTF[Gln238Lys]SLPEEILSKL

ClinVar aggregate classification (germline): Uncertain significance (1 of 4 stars; one submission).

Conditions:
Aortic aneurysm, familial thoracic 8 (AAT8). Identifiers: MedGen C3809513, MONDO:0014187, OMIM 615436.

Submission:

Labcorp Genetics (formerly Invitae), Labcorp
Classification: Uncertain significance for Aortic aneurysm, familial thoracic 8. Last evaluated: 2022-08-09. Review status: criteria provided, single submitter. Criteria: Invitae Variant Classification Sherloc (09022015). Collection method: clinical testing. Allele origin: germline.
Comment: In summary, the available evidence is currently insufficient to determine the role of this variant in disease. Therefore, it has been classified as a Variant of Uncertain Significance. Algorithms developed to predict the effect of missense changes on protein structure and function (SIFT, PolyPhen-2, Align-GVGD) all suggest that this variant is likely to be tolerated. ClinVar contains an entry for this variant (Variation ID: 863034). This variant has not been reported in the literature in individuals affected with PRKG1-related conditions. This variant is not present in population databases (gnomAD no frequency). This sequence change replaces glutamine, which is neutral and polar, with lysine, which is basic and polar, at codon 238 of the PRKG1 protein (p.Gln238Lys).